The following is an entry in ClinVar:

NM_003742.4(ABCB11):c.1711A>G (p.Arg571Gly)

Gene: ABCB11 (ATP binding cassette subfamily B member 11; minus strand). Cytogenetic location: 2q31.1.
Variant type: single nucleotide variant.
Coding change: c.1711A>G on transcript NM_003742.4 (MANE Select); coding-DNA position 1711, A replaced by G.
Protein change: p.Arg571Gly; replaces arginine 571 with glycine.
Molecular consequence: missense variant.
Genome position (GRCh38, 1-based): chr2:168,970,143, T>C on the plus strand (A>G on the coding strand, the complement: ABCB11 is on the minus strand). VCF-style: chr2-168970143-T-C. GRCh37 (hg19) VCF-style: chr2-169826653-T-C.
Other names: short protein forms R571G.
Identifiers: ClinVar variation 4815261 (VCV004815261.2).

ClinVar aggregate classification (germline): Conflicting classifications of pathogenicity. Review status: criteria provided, conflicting classifications (1 of 4 stars). 2 submissions from 2 submitters: Likely pathogenic (1); Uncertain significance (1). Last evaluated 2026-04-14.

Conditions:
Progressive familial intrahepatic cholestasis type 2. Identifiers: Orphanet 79304, MedGen C3489789, MONDO:0011156, OMIM 601847.
Familial intrahepatic cholestasis. Identifiers: Orphanet 284385, MedGen CN296401, MONDO:0017290.

Submissions (2):

Genomenon, Inc
Classification: Uncertain significance for Familial intrahepatic cholestasis. Last evaluated: 2026-04-14. Review status: criteria provided, single submitter. Criteria: Genomenon Sequence Variant Interpretation Standards - Updated. Collection method: curation. Allele origin: germline. Affected: yes.
Comment: ABCB11 p.Arg571Gly (c.1711A>G) is a missense variant that changes the amino acid at residue 571 from Arginine to Glycine. This variant has been observed in at least one proband with an ABCB11-related disorder (PMID:31335238). It is absent or not present at a significant frequency in gnomAD. In silico models predict that this variant is possibly or probably damaging. In conclusion, we classify ABCB11 p.Arg571Gly (c.1711A>G) as a variant of uncertain significance.

Natera, Inc.
Classification: Likely pathogenic for Progressive familial intrahepatic cholestasis type 2. Last evaluated: 2024-11-07. Review status: criteria provided, single submitter. Criteria: Natera Variant Classification Schema (03/2026). Collection method: clinical testing. Allele origin: germline.
Comment: The c.1711A>G variant in ABCB11 is a missense variant predicted to cause substitution of arginine to glycine at amino acid 571. This variant is rare in the general population with a frequency below the threshold expected for the associated phenotype(s). This variant has been observed in one or more individuals affected with the associated recessive disease, as either homozygous or compound heterozygous with a second variant (PMID: 31335238). This variant has been identified in one or more affected individuals with a phenotype highly consistent with the associated gene (PMID: 31335238). Computational prediction algorithms indicate this variant is likely to affect gene or protein function. Given the available evidence, this variant is classified as Likely Pathogenic.

Literature cited by the submitters: PubMed 31335238 (cited by Genomenon, Inc and Natera, Inc.).